The following is an entry in ClinVar:

ClinVar aggregate classification (germline): Uncertain significance (0 of 4 stars; one submission).

Conditions:
FAT4-related disorder. Also called: FAT4-related condition.

Submission:

PreventionGenetics, part of Exact Sciences
Classification: Uncertain significance for FAT4-related condition. Last evaluated: 2024-04-09. Review status: no assertion criteria provided. Collection method: clinical testing. Allele origin: germline.
Comment: The FAT4 c.12299+4A>G variant is predicted to interfere with splicing. To our knowledge, this variant has not been reported in the literature or in a large population database, indicating this variant is rare. At this time, the clinical significance of this variant is uncertain due to the absence of conclusive functional and genetic evidence.

NM_001291303.3(FAT4):c.12299+4A>G

Gene: FAT4 (FAT atypical cadherin 4; plus strand). Cytogenetic location: 4q28.1.
Variant type: single nucleotide variant.
Coding change: c.12299+4A>G on transcript NM_001291303.3 (MANE Select); 4 bases into the intron after coding-DNA position 12299, A replaced by G.
Molecular consequence: intron variant.
Genome position (GRCh38, 1-based): chr4:125,476,260, A>G. VCF-style: chr4-125476260-A-G. GRCh37 (hg19) VCF-style: chr4-126397415-A-G.
Other names: c.12299+4A>G (NM_001291285.3); c.12293+4A>G (NM_024582.6).
Identifiers: ClinVar variation 3348840 (VCV003348840.1).
Genomic context (GRCh38, chr4:125,476,260, plus strand): 5'-TGAGAACCAAGAGCCAGGATATTGTACTGTCAGTAATGTGGCAGTTTCAGATGACTGGTA[A>G]GGAATAGGATTAGTTTAATTTTTATTATTACTTAAAATTTTTTAAAATAAACTTTATACC-3'